The following is an entry in ClinVar:

ClinVar aggregate classification (germline): Uncertain significance. Review status: criteria provided, multiple submitters, no conflicts (2 of 4 stars). 2 submissions from 2 submitters: Uncertain significance (2). Last evaluated 2024-06-11.

Conditions:
Inborn genetic diseases. Identifiers: MedGen C0950123, MeSH D030342.

gnomAD v4.1: 6 of 1,613,968 alleles (0.00037%); highest among the groups gnomAD compares: East Asian, 0.0089%; no homozygotes.

Submissions (2):

Ambry Genetics
Classification: Uncertain significance for Inborn genetic diseases. Last evaluated: 2024-06-11. Review status: criteria provided, single submitter. Criteria: Ambry Variant Classification Scheme 2023. Collection method: clinical testing. Allele origin: germline.

Labcorp Genetics (formerly Invitae), Labcorp
Classification: Uncertain significance. Last evaluated: 2024-02-22. Review status: criteria provided, single submitter. Criteria: Invitae Variant Classification Sherloc (09022015). Collection method: clinical testing. Allele origin: germline.
Comment: This sequence change replaces cysteine, which is neutral and slightly polar, with serine, which is neutral and polar, at codon 431 of the TNFRSF11A protein (p.Cys431Ser). This variant is present in population databases (no rsID available, gnomAD 0.01%). This variant has not been reported in the literature in individuals affected with TNFRSF11A-related conditions. An algorithm developed to predict the effect of missense changes on protein structure and function (PolyPhen-2) suggests that this variant is likely to be tolerated. In summary, the available evidence is currently insufficient to determine the role of this variant in disease. Therefore, it has been classified as a Variant of Uncertain Significance.

NM_003839.4(TNFRSF11A):c.1291T>A (p.Cys431Ser)

Gene: TNFRSF11A (TNF receptor superfamily member 11a; plus strand). Cytogenetic location: 18q21.33.
Variant type: single nucleotide variant.
Coding change: c.1291T>A on transcript NM_003839.4 (MANE Select); coding-DNA position 1291, T replaced by A.
Protein change: p.Cys431Ser; replaces cysteine 431 with serine.
Molecular consequence: missense variant. On other transcripts: intron variant (3).
Genome position (GRCh38, 1-based): chr18:62,369,208, T>A. VCF-style: chr18-62369208-T-A. GRCh37 (hg19) VCF-style: chr18-60036441-T-A.
Other names: c.1249T>A, p.Cys417Ser (NM_001278268.2); c.783+2448T>A (NM_001270949.2); c.730+7415T>A (NM_001270950.2); c.616+9159T>A (NM_001270951.2); short protein forms C431S, C417S.
Identifiers: ClinVar variation 3327490 (VCV003327490.3).